The following is an entry in ClinVar:

ClinVar aggregate classification (germline): Pathogenic (1 of 4 stars; one submission).

Conditions:
Oculofaciocardiodental syndrome (MCOPS2). Identifiers: Orphanet 2712, MedGen C1846265, MONDO:0010261, OMIM 300166.

Submission:

Labcorp Genetics (formerly Invitae), Labcorp
Classification: Pathogenic for Oculofaciocardiodental syndrome. Last evaluated: 2023-08-03. Review status: criteria provided, single submitter. Criteria: Invitae Variant Classification Sherloc (09022015). Collection method: clinical testing. Allele origin: germline.
Comment: For these reasons, this variant has been classified as Pathogenic. This variant has not been reported in the literature in individuals affected with BCOR-related conditions. This variant is not present in population databases (gnomAD no frequency). This sequence change creates a premature translational stop signal (p.Val1065Argfs*49) in the BCOR gene. It is expected to result in an absent or disrupted protein product. Loss-of-function variants in BCOR are known to be pathogenic (PMID: 15004558, 19367324).

Literature cited by the submitters: PubMed 15004558; PubMed 19367324.

NM_001123385.2(BCOR):c.3187_3188dup (p.Val1065fs)

Gene: BCOR (BCL6 corepressor; minus strand). Cytogenetic location: Xp11.4.
Variant type: Duplication.
Coding change: c.3187_3188dup on transcript NM_001123385.2 (MANE Select); coding-DNA positions 3187 to 3188, 2 bases duplicated (AA; older notation c.3187_3188dupAA).
Protein change: p.Val1065fs; shifts the reading frame from valine 1065.
Molecular consequence: frameshift variant.
Genome position (GRCh38, 1-based): chrX:40,071,023-40,071,024, TT duplicated on the plus strand (AA on the coding strand, the reverse complement: BCOR is on the minus strand); duplicating any 2 consecutive bases within chrX:40,071,023-40,071,025 gives the same sequence; the c. name uses the placement nearest the transcript's 3' end. VCF-style (leftmost placement, unchanged base first): chrX-40071022-C-CTT. GRCh37 (hg19) VCF-style: chrX-39930275-C-CTT.
Other names: c.3186_3187dup, p.Val1065Argfs (NM_001123383.2); c.3133_3134dup, p.Val1047fs (NM_001123384.2); c.3187_3188dup, p.Val1065fs (NM_017745.6); short protein forms V1047fs, V1065fs.
Identifiers: ClinVar variation 2749835 (VCV002749835.3), dbSNP rs2519847860, ClinGen allele CA2697553017.